The following is an entry in ClinVar:

NM_001384474.1(LOXHD1):c.5674A>T (p.Lys1892Ter)

Gene: LOXHD1 (lipoxygenase homology PLAT domains 1; minus strand). Cytogenetic location: 18q21.1.
Variant type: single nucleotide variant.
Coding change: c.5674A>T on transcript NM_001384474.1 (MANE Select); coding-DNA position 5674, A replaced by T.
Protein change: p.Lys1892Ter; replaces lysine 1892 with a stop codon.
Molecular consequence: nonsense.
Genome position (GRCh38, 1-based): chr18:46,507,556, T>A on the plus strand (A>T on the coding strand, the complement: LOXHD1 is on the minus strand). VCF-style: chr18-46507556-T-A. GRCh37 (hg19) VCF-style: chr18-44087519-T-A.
Other names: c.2341A>T, p.Lys781Ter (NM_001145472.3); c.391A>T, p.Lys131Ter (NM_001145473.3, NM_001173129.2); c.2053A>T, p.Lys685Ter (NM_001308013.2); c.5488A>T, p.Lys1830Ter (NM_144612.7); c.5488A>T (NM_144612.6); short protein forms K781*, K1892*, K685*, K131*, K1830*.
Identifiers: ClinVar variation 1453505 (VCV001453505.7), dbSNP rs2143916424, ClinGen allele CA402367965.

ClinVar aggregate classification (germline): Pathogenic/Likely pathogenic. Review status: criteria provided, multiple submitters, no conflicts (2 of 4 stars). 2 submissions from 2 submitters: Pathogenic (1); Likely pathogenic (1). Last evaluated 2024-03-01.

Conditions:
Autosomal recessive nonsyndromic hearing loss 77. Identifiers: Orphanet 90636, MedGen C2746083, MONDO:0013119, OMIM 613079.

Submissions (2):

Natera, Inc.
Classification: Likely pathogenic for Autosomal recessive deafness type 77. Last evaluated: 2024-03-01. Review status: criteria provided, single submitter. Criteria: Natera Variant Classification Schema (03/2026). Collection method: clinical testing. Allele origin: germline.
Comment: The c.5488A>T variant in LOXHD1 is a nonsense variant predicted to introduce a stop codon at amino acid 1830. This variant is expected to result in nonsense mediated decay, truncation, or a dysfunctional protein product. This variant is rare in the general population with a frequency below the threshold expected for the associated phenotype(s). Given the available evidence, this variant is classified as Likely Pathogenic.

Labcorp Genetics (formerly Invitae), Labcorp
Classification: Pathogenic. Last evaluated: 2023-12-19. Review status: criteria provided, single submitter. Criteria: Invitae Variant Classification Sherloc (09022015). Collection method: clinical testing. Allele origin: germline.
Comment: This sequence change creates a premature translational stop signal (p.Lys1830*) in the LOXHD1 gene. It is expected to result in an absent or disrupted protein product. Loss-of-function variants in LOXHD1 are known to be pathogenic (PMID: 19732867, 21465660, 25792669). This variant is not present in population databases (gnomAD no frequency). This variant has not been reported in the literature in individuals affected with LOXHD1-related conditions. ClinVar contains an entry for this variant (Variation ID: 1453505). For these reasons, this variant has been classified as Pathogenic.

Literature cited by the submitters: PubMed 19732867 (cited by Labcorp Genetics (formerly Invitae), Labcorp); PubMed 21465660 (cited by Labcorp Genetics (formerly Invitae), Labcorp); PubMed 25792669 (cited by Labcorp Genetics (formerly Invitae), Labcorp).